The following is an entry in ClinVar:

ClinVar aggregate classification (germline): Uncertain significance. Review status: criteria provided, multiple submitters, no conflicts (2 of 4 stars). 2 submissions from 2 submitters: Uncertain significance (2). Last evaluated 2025-05-01.

Conditions:
Feingold syndrome type 1 (FGLDS1). Also called: MICROCEPHALY, MENTAL RETARDATION, AND TRACHEOESOPHAGEAL FISTULA SYNDROME; MICROCEPHALY-OCULO-DIGITO-ESOPHAGEAL-DUODENAL SYNDROME; OCULODIGITOESOPHAGODUODENAL SYNDROME; ODED SYNDROME; MICROCEPHALY AND DIGITAL ABNORMALITIES WITH NORMAL INTELLIGENCE. Identifiers: Orphanet 1305, Orphanet 391641, MedGen C4551774, MONDO:0008115, OMIM 164280.
Megalencephaly-polydactyly syndrome (MPAPA). Identifiers: MedGen C5935591, MONDO:0958279, OMIM 620748.

Submissions (2):

CeGaT Center for Human Genetics Tuebingen
Classification: Uncertain significance. Last evaluated: 2025-05-01. Review status: criteria provided, single submitter. Criteria: CeGaT Center For Human Genetics Tuebingen Variant Classification Criteria Version 2. Collection method: clinical testing. Allele origin: germline. Affected: yes. Observed: 1 variant allele.
Comment: MYCN: PM4:Supporting

Fulgent Genetics
Classification: Uncertain significance for Feingold syndrome type 1; Megalencephaly-polydactyly syndrome. Last evaluated: 2024-05-18. Review status: criteria provided, single submitter. Criteria: ACMG Guidelines, 2015. Collection method: clinical testing. Allele origin: germline.

NM_005378.6(MYCN):c.859TCC[2] (p.Ser289del)

Gene: MYCN (MYCN proto-oncogene, bHLH transcription factor; plus strand). Cytogenetic location: 2p24.3.
Variant type: Microsatellite.
Coding change: c.859TCC[2] on transcript NM_005378.6 (MANE Select); two copies in a row of the 3-base unit TCC starting at c.859; the reference has three copies in a row; one copy, 3 bases deleted; also written c.865_867del.
Protein change: p.Ser289del; deletes serine 289.
Molecular consequence: 3 prime UTR variant (on NM_001293233.2).
Genome position (GRCh38, 1-based): chr2:15,945,567-15,945,569, TCC deleted; deleting any 3 consecutive bases within chr2:15,945,561-15,945,569 gives the same sequence; the position shown is the placement nearest the transcript's 3' end. VCF-style (leftmost placement, unchanged base first): chr2-15945560-TTCC-T. GRCh37 (hg19) VCF-style: chr2-16085682-TTCC-T.
Other names: c.859TCC[2], p.Ser289del (NM_001293228.2); c.226TCC[2], p.Ser78del (NM_001293231.2); c.*794TCC[2] (NM_001293233.2); c.865_867del (NM_005378.6); short protein forms S289del, S78del.
Identifiers: ClinVar variation 3584525 (VCV003584525.11).